The following is an entry in ClinVar:

ClinVar aggregate classification (germline): Likely benign (1 of 4 stars; one submission).

Allele frequency attached by ClinVar (database versions not stated): 1000 Genomes Project 0.00060; 1000 Genomes Project 30x 0.00094; ExAC 0.00291; ESP Exome Variant Server 0.00308.
gnomAD v4.1: 5,185 of 1,614,200 alleles (0.32%); highest among the groups gnomAD compares: Non-Finnish European, 0.39%; 12 homozygotes.

Submission:

CeGaT Center for Human Genetics Tuebingen
Classification: Likely benign. Last evaluated: 2022-12-01. Review status: criteria provided, single submitter. Criteria: CeGaT Center For Human Genetics Tuebingen Variant Classification Criteria Version 2. Collection method: clinical testing. Allele origin: germline. Affected: yes. Observed: 2 variant alleles.
Comment: USP54: BP4, BP7

NM_001391956.1(USP54):c.2974T>C (p.Leu992=)

Gene: USP54 (ubiquitin specific peptidase 54; minus strand). Cytogenetic location: 10q22.2.
Variant type: single nucleotide variant.
Coding change: c.2974T>C on transcript NM_001391956.1 (MANE Select); coding-DNA position 2974, T replaced by C.
Protein change: p.Leu992=; no amino-acid change (leucine 992 retained).
Molecular consequence: synonymous variant. On other transcripts: non-coding transcript variant (6).
Genome position (GRCh38, 1-based): chr10:73,517,452, A>G on the plus strand (T>C on the coding strand, the complement: USP54 is on the minus strand). VCF-style: chr10-73517452-A-G. GRCh37 (hg19) VCF-style: chr10-75277210-A-G.
Other names: c.2803T>C, p.Leu935= (NM_001320437.2, NM_001378208.1, NM_001378209.1 and 8 more transcripts); c.2683T>C, p.Leu895= (NM_001350995.2, NM_001391942.1); c.3040T>C, p.Leu1014= (NM_001391941.1); c.2974T>C, p.Leu992= (NM_001391949.1, NM_001391952.1, NM_001391953.1 and 1 more transcripts); c.2524T>C, p.Leu842= (NM_001391951.1).
Identifiers: ClinVar variation 2640588 (VCV002640588.24), dbSNP rs145377545, ClinGen allele CA5556145.
Genomic context (GRCh38, chr10:73,517,452, plus strand): 5'-GCTTGCTGCAACTGCTGTTGTCACACCTAGAGCCTTGCAGCTTACCCTCTGGGGCATCCA[A>G]TGGCTCCCAACTATGATGAGAATTCTTCTCAGTCCACCCTGGTGCTTTAGGTAAACCTTG-3'
Protein context (NP_001378885.1, residues 982-1002): EKNSHHSWEP[Leu992=]DAPEGKLQGS